The following is an entry in ClinVar:

NM_000021.4(PSEN1):c.791C>T (p.Pro264Leu)

Gene: PSEN1 (presenilin 1; plus strand). Cytogenetic location: 14q24.2.
Variant type: single nucleotide variant.
Coding change: c.791C>T on transcript NM_000021.4 (MANE Select); coding-DNA position 791, C replaced by T.
Protein change: p.Pro264Leu; replaces proline 264 with leucine.
Molecular consequence: missense variant.
Genome position (GRCh38, 1-based): chr14:73,198,052, C>T. VCF-style: chr14-73198052-C-T. GRCh37 (hg19) VCF-style: chr14-73664760-C-T.
Other names: c.779C>T, p.Pro260Leu (NM_007318.3); short protein forms P264L, P260L.
Identifiers: ClinVar variation 98080 (VCV000098080.38), dbSNP rs63750301, ClinGen allele CA225117.
Genomic context (GRCh38, chr14:73,198,052, plus strand): 5'-ACATTTTATTAGATGTCTTTTATGTTTTTCTTTTTCTAGATTTAGTGGCTGTTTTGTGTC[C>T]GAAAGGTCCACTTCGTATGCTGGTTGAAACAGCTCAGGAGAGAAATGAAACGCTTTTTCC-3'
Protein context (NP_000012.1, residues 254-274): SVYDLVAVLC[Pro264Leu]KGPLRMLVET

ClinVar aggregate classification (germline): Pathogenic/Likely pathogenic. Review status: criteria provided, multiple submitters, no conflicts (2 of 4 stars). 7 submissions from 7 submitters: Pathogenic (5); Likely pathogenic (1). 1 of the submissions does not count toward it. Last evaluated 2025-02-02.

Conditions:
Alzheimer disease 3 (AD3). Also called: ALZHEIMER DISEASE, FAMILIAL, 3. Identifiers: Orphanet 1020, MedGen C1843013, MONDO:0011913, OMIM 607822.
Pick disease. Also called: LOBAR ATROPHY OF BRAIN; Pick Disease of the Brain; PICK DISEASE OF BRAIN; Pick's disease; DEMENTIA WITH LOBAR ATROPHY AND NEURONAL CYTOPLASMIC INCLUSIONS. Identifiers: Orphanet 282, MedGen C0236642, MONDO:0008243, OMIM 172700.
Frontotemporal dementia (FTD1). Also called: FRONTOTEMPORAL DEMENTIA WITH PARKINSONISM; FRONTOTEMPORAL LOBE DEMENTIA; MULTIPLE SYSTEM TAUOPATHY WITH PRESENILE DEMENTIA; WILHELMSEN-LYNCH DISEASE; Frontotemporal lobe dementia (FLDEM); Dementia, frontotemporal, with or without parkinsonism. Identifiers: Orphanet 282, MedGen C0338451, MONDO:0017276, OMIM 600274, HP:0002145.
Acne inversa, familial, 3 (ACNINV3). Identifiers: MedGen C3151038, MONDO:0013398, OMIM 613737.
Dementia. Identifiers: MedGen C0497327, MONDO:0001627, HP:0000726.
Mental deterioration. Also called: Cognitive decline. Identifiers: MedGen C0234985, HP:0001268.

Allele frequency attached by ClinVar (database versions not stated): gnomAD exomes below 0.00001.
gnomAD v4.1: 2 of 1,609,902 alleles (0.00012%); highest among the groups gnomAD compares: East Asian, 0.0022%; no homozygotes.

Submissions (7):

Labcorp Genetics (formerly Invitae), Labcorp
Classification: Pathogenic for Alzheimer disease 3; Pick disease; Acne inversa, familial, 3; Frontotemporal dementia. Last evaluated: 2025-02-02. Review status: criteria provided, single submitter. Criteria: Invitae Variant Classification Sherloc (09022015). Collection method: clinical testing. Allele origin: germline.
Comment: This sequence change replaces proline, which is neutral and non-polar, with leucine, which is neutral and non-polar, at codon 264 of the PSEN1 protein (p.Pro264Leu). This variant is present in population databases (rs63750301, gnomAD 0.005%). This missense change has been observed in individuals with early-onset Alzheimer disease (PMID: 8634712, 16033913, 28350801). It has also been observed to segregate with disease in related individuals. Invitae Evidence Modeling of clinical and family history, age, sex, and reported ancestry of multiple individuals with this PSEN1 variant has been performed. This variant is expected to be pathogenic with a positive predictive value of at least 99%. This is a validated machine learning model that incorporates the clinical features of 18,931 individuals referred to our laboratory for PSEN1 testing. ClinVar contains an entry for this variant (Variation ID: 98080). Invitae Evidence Modeling of protein sequence and biophysical properties (such as structural, functional, and spatial information, amino acid conservation, physicochemical variation, residue mobility, and thermodynamic stability) indicates that this missense variant is expected to disrupt PSEN1 protein function with a positive predictive value of 95%. Experimental studies have shown that this missense change affects PSEN1 function (PMID: 11959395, 26438723). For these reasons, this variant has been classified as Pathogenic.

CeGaT Center for Human Genetics Tuebingen
Classification: Pathogenic. Last evaluated: 2024-08-01. Review status: criteria provided, single submitter. Criteria: CeGaT Center For Human Genetics Tuebingen Variant Classification Criteria Version 2. Collection method: clinical testing. Allele origin: germline. Affected: yes. Observed: 2 variant alleles.
Comment: PSEN1: PM2, PM5, PS3:Moderate, PS4:Moderate, PP3, PP4

GeneDx
Classification: Pathogenic. Last evaluated: 2023-10-26. Review status: criteria provided, single submitter. Criteria: GeneDx Variant Classification Process June 2021. Collection method: clinical testing. Allele origin: germline. Affected: yes.
Comment: Published functional studies demonstrate a damaging effect on protein folding, localization, and function (Ben-Gedalya et al., 2015; Sun et al., 2017); Not observed at significant frequency in large population cohorts (gnomAD); In silico analysis supports that this missense variant has a deleterious effect on protein structure/function; This variant is associated with the following publications: (PMID: 20634584, 24158021, 22188655, 27930341, 11959395, 27777022, 23579325, 8634712, 36133075, 26756738, 32843152, 26438723, 11836371, 22503161, 30279455, 28350801, 34389718, 16033913, 22572737, 19849793)

Institute of Medical Genetics and Applied Genomics, University Hospital Tübingen
Classification: Pathogenic. Last evaluated: 2020-10-23. Review status: criteria provided, single submitter. Criteria: ACMG Guidelines, 2015. Collection method: clinical testing. Allele origin: germline. Inheritance: Unknown mechanism. Affected: yes.

Athena Diagnostics
Classification: Pathogenic. Last evaluated: 2018-06-05. Review status: criteria provided, single submitter. Criteria: Athena Diagnostics Criteria. Collection method: clinical testing. Allele origin: germline.

Centre for Mendelian Genomics, University Medical Centre Ljubljana
Classification: Likely pathogenic for Dementia; Mental deterioration. Last evaluated: 2015-02-06. Review status: criteria provided, single submitter. Criteria: ACMG Guidelines, 2015. Collection method: clinical testing. Allele origin: unknown. Affected: yes.

VIB  Department of Molecular Genetics, University of Antwerp
No classification provided. Review status: no classification provided. Collection method: not provided. Allele origin: unknown. Not counted in ClinVar's aggregate classification.

Literature cited by the submitters: PubMed 8634712 (cited by Labcorp Genetics (formerly Invitae), Labcorp and Athena Diagnostics); PubMed 16033913 (cited by Labcorp Genetics (formerly Invitae), Labcorp and Athena Diagnostics); PubMed 28350801 (cited by Labcorp Genetics (formerly Invitae), Labcorp and Athena Diagnostics); PubMed 11959395 (cited by Labcorp Genetics (formerly Invitae), Labcorp and Athena Diagnostics); PubMed 26438723 (cited by Labcorp Genetics (formerly Invitae), Labcorp and Athena Diagnostics); PubMed 7585193 (cited by Athena Diagnostics); PubMed 27930341 (cited by Athena Diagnostics); PubMed 26756738 (cited by Athena Diagnostics); PubMed 27777022 (cited by Athena Diagnostics); PubMed 21726674 (cited by Athena Diagnostics); PubMed 20083199 (cited by Athena Diagnostics); PubMed 11978814 (cited by Athena Diagnostics); PubMed 11102478 (cited by Athena Diagnostics); PubMed 16651627 (cited by Athena Diagnostics); PubMed 23705774 (cited by Athena Diagnostics); PubMed 26481686 (cited by Athena Diagnostics); PubMed 23539189 (cited by Athena Diagnostics); PubMed 21685457 (cited by Athena Diagnostics); PubMed 9521423 (cited by Athena Diagnostics); PubMed 10441572 (cited by Athena Diagnostics); PubMed 23579325 (cited by Athena Diagnostics); PubMed 24158021 (cited by Athena Diagnostics); PubMed 16941492 (cited by Athena Diagnostics); PubMed 22475797 (cited by Athena Diagnostics); PubMed 10327206 (cited by Athena Diagnostics); PubMed 11836371 (cited by Athena Diagnostics); PubMed 19021905 (cited by Athena Diagnostics); PubMed 19849793 (cited by Athena Diagnostics); PubMed 20634584 (cited by Athena Diagnostics); PubMed 22188655 (cited by Athena Diagnostics); PubMed 22503161 (cited by Athena Diagnostics); PubMed 22572737 (cited by Athena Diagnostics); PubMed 9172170 (cited by Athena Diagnostics).